The following is an entry in ClinVar:

ClinVar aggregate classification (germline): Uncertain significance (1 of 4 stars; one submission).

gnomAD v4.1: 7 of 1,604,482 alleles (0.00044%); highest among the groups gnomAD compares: Non-Finnish European, 0.0006%; no homozygotes.

Submission:

Labcorp Genetics (formerly Invitae), Labcorp
Classification: Uncertain significance. Last evaluated: 2025-10-23. Review status: criteria provided, single submitter. Criteria: Invitae Variant Classification Sherloc (09022015). Collection method: clinical testing. Allele origin: germline.
Comment: This sequence change replaces valine, which is neutral and non-polar, with leucine, which is neutral and non-polar, at codon 546 of the MMP14 protein (p.Val546Leu). This variant is present in population databases (no rsID available, gnomAD 0.001%). This variant has not been reported in the literature in individuals affected with MMP14-related conditions. ClinVar contains an entry for this variant (Variation ID: 2868354). An algorithm developed to predict the effect of missense changes on protein structure and function (PolyPhen-2) suggests that this variant is likely to be tolerated. In summary, the available evidence is currently insufficient to determine the role of this variant in disease. Therefore, it has been classified as a Variant of Uncertain Significance.

NM_004995.4(MMP14):c.1636G>C (p.Val546Leu)

Gene: MMP14 (matrix metallopeptidase 14; plus strand). Cytogenetic location: 14q11.2.
Variant type: single nucleotide variant.
Coding change: c.1636G>C on transcript NM_004995.4 (MANE Select); coding-DNA position 1636, G replaced by C.
Protein change: p.Val546Leu; replaces valine 546 with leucine.
Molecular consequence: missense variant.
Genome position (GRCh38, 1-based): chr14:22,845,926, G>C. VCF-style: chr14-22845926-G-C. GRCh37 (hg19) VCF-style: chr14-23315135-G-C.
Other names: short protein forms V546L.
Identifiers: ClinVar variation 2868354 (VCV002868354.3), dbSNP rs760243884, ClinGen allele CA257749393.